The following is an entry in ClinVar:

NM_181712.5(KANK4):c.1409A>G (p.Glu470Gly)

Gene: KANK4 (KN motif and ankyrin repeat domains 4; minus strand). Cytogenetic location: 1p31.3.
Variant type: single nucleotide variant.
Coding change: c.1409A>G on transcript NM_181712.5 (MANE Select); coding-DNA position 1409, A replaced by G.
Protein change: p.Glu470Gly; replaces glutamic acid 470 with glycine.
Molecular consequence: missense variant. On other transcripts: intron variant (1).
Genome position (GRCh38, 1-based): chr1:62,273,695, T>C on the plus strand (A>G on the coding strand, the complement: KANK4 is on the minus strand). VCF-style: chr1-62273695-T-C. GRCh37 (hg19) VCF-style: chr1-62739367-T-C.
Other names: c.17-2106A>G (NM_001320269.2); c.1409A>G (NM_181712.4); short protein forms E470G.
Identifiers: ClinVar variation 2895831 (VCV002895831.4), dbSNP rs145079518, ClinGen allele CA23695824.

ClinVar aggregate classification (germline): Uncertain significance. Review status: criteria provided, multiple submitters, no conflicts (2 of 4 stars). 2 submissions from 2 submitters: Uncertain significance (2). Last evaluated 2025-01-20.

Allele frequency attached by ClinVar (database versions not stated): gnomAD exomes below 0.00001; TOPMed 0.00002; ESP Exome Variant Server 0.00008.
gnomAD v4.1: 5 of 1,614,118 alleles (0.00031%); highest among the groups gnomAD compares: Non-Finnish European, 0.00042%; no homozygotes.

Submissions (2):

Ambry Genetics
Classification: Uncertain significance. Last evaluated: 2025-01-20. Review status: criteria provided, single submitter. Criteria: Ambry Variant Classification Scheme 2023. Collection method: clinical testing. Allele origin: germline.

Labcorp Genetics (formerly Invitae), Labcorp
Classification: Uncertain significance. Last evaluated: 2024-01-03. Review status: criteria provided, single submitter. Criteria: Invitae Variant Classification Sherloc (09022015). Collection method: clinical testing. Allele origin: germline.
Comment: This sequence change replaces glutamic acid, which is acidic and polar, with glycine, which is neutral and non-polar, at codon 470 of the KANK4 protein (p.Glu470Gly). This variant is not present in population databases (gnomAD no frequency). This variant has not been reported in the literature in individuals affected with KANK4-related conditions. Algorithms developed to predict the effect of missense changes on protein structure and function output the following: SIFT: "Not Available"; PolyPhen-2: "Benign"; Align-GVGD: "Not Available". The glycine amino acid residue is found in multiple mammalian species, which suggests that this missense change does not adversely affect protein function. In summary, the available evidence is currently insufficient to determine the role of this variant in disease. Therefore, it has been classified as a Variant of Uncertain Significance.